The following is an entry in ClinVar:

ClinVar aggregate classification (germline): Likely benign (0 of 4 stars; one submission).

Conditions:
HSPG2-related disorder. Also called: HSPG2-related disorders; HSPG2-related condition.

gnomAD v4.1: 8 of 1,611,284 alleles (0.0005%); highest among the groups gnomAD compares: Non-Finnish European, 0.00059%; no homozygotes.

Submission:

PreventionGenetics, part of Exact Sciences
Classification: Likely benign for HSPG2-related condition. Last evaluated: 2019-10-28. Review status: no assertion criteria provided. Collection method: clinical testing. Allele origin: germline.
Comment: This variant is classified as likely benign based on ACMG/AMP sequence variant interpretation guidelines (Richards et al. 2015 PMID: 25741868, with internal and published modifications).

NM_005529.7(HSPG2):c.10150+9C>T

Gene: HSPG2 (heparan sulfate proteoglycan 2; minus strand). Cytogenetic location: 1p36.12.
Variant type: single nucleotide variant.
Coding change: c.10150+9C>T on transcript NM_005529.7 (MANE Select); 9 bases into the intron after coding-DNA position 10150, C replaced by T.
Molecular consequence: intron variant.
Genome position (GRCh38, 1-based): chr1:21,838,816, G>A on the plus strand (C>T on the coding strand, the complement: HSPG2 is on the minus strand). VCF-style: chr1-21838816-G-A. GRCh37 (hg19) VCF-style: chr1-22165309-G-A.
Other names: c.10153+9C>T (NM_001291860.2).
Identifiers: ClinVar variation 3354621 (VCV003354621.1).